The following is an entry in ClinVar:

ClinVar aggregate classification (germline): Uncertain significance (1 of 4 stars; one submission).

Allele frequency attached by ClinVar (database versions not stated): TOPMed below 0.00001; gnomAD exomes 0.00001.
gnomAD v4.1: 12 of 1,614,260 alleles (0.00074%); highest among the groups gnomAD compares: Non-Finnish European, 0.001%; no homozygotes.

Submission:

Labcorp Genetics (formerly Invitae), Labcorp
Classification: Uncertain significance. Last evaluated: 2022-05-27. Review status: criteria provided, single submitter. Criteria: Invitae Variant Classification Sherloc (09022015). Collection method: clinical testing. Allele origin: germline.
Comment: This sequence change replaces threonine, which is neutral and polar, with lysine, which is basic and polar, at codon 425 of the NFE2L2 protein (p.Thr425Lys). This variant is not present in population databases (gnomAD no frequency). This variant has not been reported in the literature in individuals affected with NFE2L2-related conditions. Algorithms developed to predict the effect of missense changes on protein structure and function (SIFT, PolyPhen-2, Align-GVGD) all suggest that this variant is likely to be tolerated. In summary, the available evidence is currently insufficient to determine the role of this variant in disease. Therefore, it has been classified as a Variant of Uncertain Significance.

NM_006164.5(NFE2L2):c.1274C>A (p.Thr425Lys)

Gene: NFE2L2 (NFE2 like bZIP transcription factor 2; minus strand). Cytogenetic location: 2q31.2.
Variant type: single nucleotide variant.
Coding change: c.1274C>A on transcript NM_006164.5 (MANE Select); coding-DNA position 1274, C replaced by A.
Protein change: p.Thr425Lys; replaces threonine 425 with lysine.
Molecular consequence: missense variant.
Genome position (GRCh38, 1-based): chr2:177,231,329, G>T on the plus strand (C>A on the coding strand, the complement: NFE2L2 is on the minus strand). VCF-style: chr2-177231329-G-T. GRCh37 (hg19) VCF-style: chr2-178096057-G-T.
Other names: c.1226C>A, p.Thr409Lys (NM_001145412.3, NM_001313900.1, NM_001313901.1); c.1205C>A, p.Thr402Lys (NM_001145413.3); c.1184C>A, p.Thr395Lys (NM_001313902.2); c.1055C>A, p.Thr352Lys (NM_001313903.2); c.974C>A, p.Thr325Lys (NM_001313904.1); short protein forms T325K, T409K, T425K, T395K, T352K, T402K.
Identifiers: ClinVar variation 1955388 (VCV001955388.5), dbSNP rs766678908, ClinGen allele CA60882879.
Genomic context (GRCh38, chr2:177,231,329, plus strand): 5'-TTGTCTTTTGTGAATGGGGTTTTCCGATGACCAGGACTTACAGGCAATTCTTTCTCTGGT[G>T]TGTTCTCACATTGGGCATCATGCACGTGAGTGCTCTGCCCCTGAGATGGTGACAAGGGTT-3'
Protein context (NP_006155.2, residues 415-435): THVHDAQCEN[Thr425Lys]PEKELPVSPG